The following is an entry in ClinVar:

ClinVar aggregate classification (germline): Likely benign (0 of 4 stars; one submission).

Conditions:
PRKAG2-related disorder. Also called: PRKAG2-related disorders; PRKAG2-related condition.

Allele frequency attached by ClinVar (database versions not stated): gnomAD 0.00001; TOPMed 0.00002.

Submission:

PreventionGenetics, part of Exact Sciences
Classification: Likely benign for PRKAG2-related condition. Last evaluated: 2021-04-17. Review status: no assertion criteria provided. Collection method: clinical testing. Allele origin: germline.
Comment: This variant is classified as likely benign based on ACMG/AMP sequence variant interpretation guidelines (Richards et al. 2015 PMID: 25741868, with internal and published modifications).

NM_016203.3(PRKAG2):c.-514G>T

Genes: PRKAG2 (protein kinase AMP-activated non-catalytic subunit gamma 2; minus strand), PRKAG2-AS1 (PRKAG2 antisense RNA 1; plus strand). Cytogenetic location: 7q36.1.
Variant type: single nucleotide variant.
Coding change: c.-514G>T on transcript NM_016203.3; 514 bases upstream of the start codon, G replaced by T.
Molecular consequence: non-coding transcript variant (on NR_038926.1).
Genome position (GRCh38, 1-based): chr7:151,877,134, C>A on the plus strand (G>T on the coding strand, the complement: PRKAG2 is on the minus strand). VCF-style: chr7-151877134-C-A. GRCh37 (hg19) VCF-style: chr7-151574219-C-A.
Identifiers: ClinVar variation 3029989 (VCV003029989.2), dbSNP rs1007252189, ClinGen allele CA169183928.